The following is an entry in ClinVar:

ClinVar aggregate classification (germline): Conflicting classifications of pathogenicity. Review status: criteria provided, conflicting classifications (1 of 4 stars). 4 submissions from 4 submitters: Uncertain significance (3); Likely benign (1). Last evaluated 2025-11-06.

Conditions:
Inborn genetic diseases. Identifiers: MedGen C0950123, MeSH D030342.
ADAMTSL4-related disorder. Also called: ADAMTSL4-Related Disorders; ADAMTSL4-related condition.

Allele frequency attached by ClinVar (database versions not stated): TOPMed 0.00003; gnomAD exomes 0.00004; gnomAD 0.00007; ExAC 0.00012; 1000 Genomes Project 30x 0.00078; 1000 Genomes Project 0.00100.
gnomAD v4.1: 69 of 1,610,626 alleles (0.0043%); highest among the groups gnomAD compares: South Asian, 0.04%; no homozygotes.

Submissions (4):

Ambry Genetics
Classification: Uncertain significance for Inborn genetic diseases. Last evaluated: 2025-11-06. Review status: criteria provided, single submitter. Criteria: Ambry Variant Classification Scheme 2023. Collection method: clinical testing. Allele origin: germline.

PreventionGenetics, part of Exact Sciences
Classification: Uncertain significance for ADAMTSL4-related condition. Last evaluated: 2023-03-09. Review status: criteria provided, single submitter. Criteria: ACMG Guidelines, 2015. Collection method: clinical testing. Allele origin: germline.
Comment: The ADAMTSL4 c.355C>T variant is predicted to result in the amino acid substitution p.Arg119Trp. To our knowledge, this variant has not been reported in the literature. This variant is reported in 0.050% of alleles in individuals of South Asian descent in gnomAD. Although we suspect that this variant may be benign, at this time, the clinical significance of this variant is uncertain due to the absence of conclusive functional and genetic evidence.

Labcorp Genetics (formerly Invitae), Labcorp
Classification: Uncertain significance. Last evaluated: 2022-04-29. Review status: criteria provided, single submitter. Criteria: Invitae Variant Classification Sherloc (09022015). Collection method: clinical testing. Allele origin: germline.
Comment: This sequence change replaces arginine, which is basic and polar, with tryptophan, which is neutral and slightly polar, at codon 119 of the ADAMTSL4 protein (p.Arg119Trp). This variant is present in population databases (rs587619212, gnomAD 0.06%). This variant has not been reported in the literature in individuals affected with ADAMTSL4-related conditions. Algorithms developed to predict the effect of missense changes on protein structure and function output the following: SIFT: "Deleterious"; PolyPhen-2: "Benign"; Align-GVGD: "Class C0". The tryptophan amino acid residue is found in multiple mammalian species, which suggests that this missense change does not adversely affect protein function. In summary, the available evidence is currently insufficient to determine the role of this variant in disease. Therefore, it has been classified as a Variant of Uncertain Significance.

Blueprint Genetics
Classification: Likely benign. Last evaluated: 2020-11-19. Review status: criteria provided, single submitter. Criteria: ACMG Guidelines, 2015. Collection method: clinical testing. Allele origin: germline.

NM_019032.6(ADAMTSL4):c.355C>T (p.Arg119Trp)

Genes: ADAMTSL4 (ADAMTS like 4; plus strand), ADAMTSL4-AS2 (ADAMTSL4 antisense RNA 2; minus strand). Cytogenetic location: 1q21.2.
Variant type: single nucleotide variant.
Coding change: c.355C>T on transcript NM_019032.6 (MANE Select); coding-DNA position 355, C replaced by T.
Protein change: p.Arg119Trp; replaces arginine 119 with tryptophan.
Molecular consequence: missense variant.
Genome position (GRCh38, 1-based): chr1:150,553,174, C>T. VCF-style: chr1-150553174-C-T. GRCh37 (hg19) VCF-style: chr1-150525650-C-T.
Other names: c.355C>T, p.Arg119Trp (NM_001288607.2, NM_001288608.2, NM_001378596.1 and 1 more transcripts); c.355C>T (NM_019032.4, NM_019032.5); short protein forms R119W.
Identifiers: ClinVar variation 2052072 (VCV002052072.4), dbSNP rs587619212, ClinGen allele CA1077931.